The following is an entry in ClinVar:

NM_001008537.3(NEXMIF):c.1044dup (p.Glu349fs)

Gene: NEXMIF (neurite extension and migration factor; minus strand). Cytogenetic location: Xq13.3.
Variant type: Duplication.
Coding change: c.1044dup on transcript NM_001008537.3 (MANE Select); coding-DNA position 1044, one base duplicated (A; older notation c.1044dupA).
Protein change: p.Glu349fs; shifts the reading frame from glutamic acid 349.
Molecular consequence: frameshift variant.
Genome position (GRCh38, 1-based): chrX:74,743,513, T duplicated on the plus strand (A on the coding strand, the reverse complement: NEXMIF is on the minus strand). VCF-style (leftmost placement, unchanged base first): chrX-74743512-C-CT. GRCh37 (hg19) VCF-style: chrX-73963347-C-CT.
Other names: short protein forms E349fs.
Identifiers: ClinVar variation 1075288 (VCV001075288.7), dbSNP rs2147441259, ClinGen allele CA2499226856.
Genomic context (GRCh38, chrX:74,743,512, plus strand): 5'-CATCAGGGACCTTGAATTGGGAAAAATCACTGCTCTGCTTCAGGGCCCCACTCTTAGACT[C>CT]TCGCTTGGGGCAGGTAGTAAAGACGCTGGGAAAAAAGTTGAATTGGGCATCTTCCTGCAT-3'

ClinVar aggregate classification (germline): Pathogenic (1 of 4 stars; one submission).

Submission:

Labcorp Genetics (formerly Invitae), Labcorp
Classification: Pathogenic. Last evaluated: 2023-11-10. Review status: criteria provided, single submitter. Criteria: Invitae Variant Classification Sherloc (09022015). Collection method: clinical testing. Allele origin: germline.
Comment: This sequence change creates a premature translational stop signal (p.Glu349Argfs*3) in the NEXMIF gene. It is expected to result in an absent or disrupted protein product. Loss-of-function variants in NEXMIF are known to be pathogenic (PMID: 23615299). This variant is not present in population databases (gnomAD no frequency). This variant has not been reported in the literature in individuals affected with NEXMIF-related conditions. ClinVar contains an entry for this variant (Variation ID: 1075288). For these reasons, this variant has been classified as Pathogenic.

Literature cited by the submitters: PubMed 23615299.